The following is an entry in ClinVar:

ClinVar aggregate classification (germline): Likely benign. Review status: criteria provided, multiple submitters, no conflicts (2 of 4 stars). 3 submissions from 3 submitters: Likely benign (3). Last evaluated 2024-09-20.

Conditions:
Emery-Dreifuss muscular dystrophy 4, autosomal dominant (EDMD4). Also called: EMERY-DREIFUSS MUSCULAR DYSTROPHY 4 WITH VARIABLE FEATURES. Identifiers: Orphanet 261, MedGen C2751807, MONDO:0013071, OMIM 612998.
Autosomal recessive ataxia, Beauce type. Also called: Spinocerebellar ataxia, autosomal recessive 8; ATAXIA, RECESSIVE, OF BEAUCE; SYNE1-Related Autosomal Recessive Cerebellar Ataxia; SYNE1 Deficiency. Identifiers: Orphanet 88644, MedGen C1853116, MONDO:0012549, OMIM 610743.

Allele frequency attached by ClinVar (database versions not stated): ExAC 0.00003; gnomAD exomes 0.00004 and 0.00008; gnomAD 0.00006; TOPMed 0.00007.
gnomAD v4.1: 135 of 1,613,708 alleles (0.0084%); highest among the groups gnomAD compares: Non-Finnish European, 0.011%; no homozygotes.

Submissions (3):

Blueprint Genetics
Classification: Likely benign. Last evaluated: 2024-09-20. Review status: criteria provided, single submitter. Criteria: ACMG Guidelines, 2015. Collection method: clinical testing. Allele origin: germline.

Labcorp Genetics (formerly Invitae), Labcorp
Classification: Likely benign for Emery-Dreifuss muscular dystrophy 4, autosomal dominant; Autosomal recessive ataxia, Beauce type. Last evaluated: 2023-02-16. Review status: criteria provided, single submitter. Criteria: Invitae Variant Classification Sherloc (09022015). Collection method: clinical testing. Allele origin: germline.

GeneDx
Classification: Likely benign. Last evaluated: 2018-02-06. Review status: criteria provided, single submitter. Criteria: GeneDx Variant Classification (06012015). Collection method: clinical testing. Allele origin: germline. Affected: yes.
Comment: This variant is considered likely benign or benign based on one or more of the following criteria: it is a conservative change, it occurs at a poorly conserved position in the protein, it is predicted to be benign by multiple in silico algorithms, and/or has population frequency not consistent with disease.

NM_182961.4(SYNE1):c.8488-15T>G

Genes: SYNE1 (spectrin repeat containing nuclear envelope protein 1; minus strand), LOC126859838 (CDK7 strongly-dependent group 2 enhancer GRCh37_chr6:152706655-152707854; plus strand). Cytogenetic location: 6q25.2.
Variant type: single nucleotide variant.
Coding change: c.8488-15T>G on transcript NM_182961.4 (MANE Select); 15 bases into the intron before coding-DNA position 8488, T replaced by G.
Molecular consequence: intron variant.
Genome position (GRCh38, 1-based): chr6:152,385,853, A>C on the plus strand (T>G on the coding strand, the complement: SYNE1 is on the minus strand). VCF-style: chr6-152385853-A-C. GRCh37 (hg19) VCF-style: chr6-152706988-A-C.
Other names: c.8509-15T>G (NM_033071.5).
Identifiers: ClinVar variation 515117 (VCV000515117.10), dbSNP rs754541640, ClinGen allele CA4057531.